The following is an entry in ClinVar:

NM_001372066.1(TFAP2A):c.441A>C (p.Gly147=)

Gene: TFAP2A (transcription factor AP-2 alpha; minus strand). Cytogenetic location: 6p24.3.
Variant type: single nucleotide variant.
Coding change: c.441A>C on transcript NM_001372066.1 (MANE Select); coding-DNA position 441, A replaced by C.
Protein change: p.Gly147=; no amino-acid change (glycine 147 retained).
Molecular consequence: synonymous variant.
Genome position (GRCh38, 1-based): chr6:10,409,946, T>G on the plus strand (A>C on the coding strand, the complement: TFAP2A is on the minus strand). VCF-style: chr6-10409946-T-G. GRCh37 (hg19) VCF-style: chr6-10410179-T-G.
Other names: NM_003220.2:c.435A>C; c.417A>C, p.Gly139= (NM_001032280.3); c.423A>C, p.Gly141= (NM_001042425.3).
Identifiers: ClinVar variation 2715959 (VCV002715959.4), dbSNP rs756019412, ClinGen allele CA3631339.

ClinVar aggregate classification (germline): Likely benign. Review status: criteria provided, multiple submitters, no conflicts (2 of 4 stars). 2 submissions from 2 submitters: Likely benign (2). Last evaluated 2026-03-18.

Conditions:
TFAP2A-related disorder. Also called: TFAP2A-related condition.

Allele frequency attached by ClinVar (database versions not stated): gnomAD 0.00001; gnomAD exomes 0.00001; TOPMed 0.00001.
gnomAD v4.1: 17 of 1,562,024 alleles (0.0011%); highest among the groups gnomAD compares: Admixed American, 0.033%; no homozygotes.

Submissions (2):

PreventionGenetics, part of Exact Sciences
Classification: Likely benign for TFAP2A-related condition. Last evaluated: 2026-03-18. Review status: criteria provided, single submitter. Criteria: ACMG Guidelines, 2015. Collection method: clinical testing. Allele origin: germline.
Comment: This variant is classified as likely benign based on ACMG/AMP sequence variant interpretation guidelines (Richards et al. 2015 PMID: 25741868, with internal and published modifications).

Labcorp Genetics (formerly Invitae), Labcorp
Classification: Likely benign. Last evaluated: 2026-01-19. Review status: criteria provided, single submitter. Criteria: Invitae Variant Classification Sherloc (09022015). Collection method: clinical testing. Allele origin: germline.